The following is an entry in ClinVar:

ClinVar aggregate classification (germline): Benign (0 of 4 stars; one submission).

Conditions:
DNAH2-related disorder. Also called: DNAH2-related condition.

Allele frequency attached by ClinVar (database versions not stated): 1000 Genomes Project 0.07149; 1000 Genomes Project 30x 0.07370; TOPMed 0.09861; ESP Exome Variant Server 0.10564; ExAC 0.11433; gnomAD exomes 0.13614.
gnomAD v4.1: 214,524 of 1,614,108 alleles (13%); highest among the groups gnomAD compares: Non-Finnish European, 15%; 15,677 homozygotes.

Submission:

PreventionGenetics, part of Exact Sciences
Classification: Benign for DNAH2-related condition. Last evaluated: 2019-11-06. Review status: no assertion criteria provided. Collection method: clinical testing. Allele origin: germline.
Comment: This variant is classified as benign based on ACMG/AMP sequence variant interpretation guidelines (Richards et al. 2015 PMID: 25741868, with internal and published modifications).

NM_020877.5(DNAH2):c.5586C>T (p.Ile1862=)

Gene: DNAH2 (dynein axonemal heavy chain 2; plus strand). Cytogenetic location: 17p13.1.
Variant type: single nucleotide variant.
Coding change: c.5586C>T on transcript NM_020877.5 (MANE Select); coding-DNA position 5586, C replaced by T.
Protein change: p.Ile1862=; no amino-acid change (isoleucine 1862 retained).
Molecular consequence: synonymous variant.
Genome position (GRCh38, 1-based): chr17:7,779,287, C>T. VCF-style: chr17-7779287-C-T. GRCh37 (hg19) VCF-style: chr17-7682605-C-T.
Identifiers: ClinVar variation 3055613 (VCV003055613.2), dbSNP rs17806045, ClinGen allele CA8357495.